The following is an entry in ClinVar:

ClinVar aggregate classification (germline): Uncertain significance (1 of 4 stars; one submission).

Conditions:
Sclerosteosis 2 (SOST2). Identifiers: Orphanet 3152, MedGen C3280402, MONDO:0013679, OMIM 614305.
Congenital myasthenic syndrome 17. Identifiers: Orphanet 590, MedGen C4225377, MONDO:0014578, OMIM 616304.
Cenani-Lenz syndactyly syndrome. Also called: CENANI SYNDACTYLISM; SYNDACTYLY, TYPE VII. Identifiers: Orphanet 3258, MedGen C1859309, MONDO:0008931, OMIM 212780.

Allele frequency attached by ClinVar (database versions not stated): gnomAD exomes below 0.00001.
gnomAD v4.1: 2 of 1,613,810 alleles (0.00012%); highest among the groups gnomAD compares: Non-Finnish European, 0.00017%; no homozygotes.

Submission:

Labcorp Genetics (formerly Invitae), Labcorp
Classification: Uncertain significance for Cenani-Lenz syndactyly syndrome; Sclerosteosis 2; Congenital myasthenic syndrome 17. Last evaluated: 2022-08-20. Review status: criteria provided, single submitter. Criteria: Invitae Variant Classification Sherloc (09022015). Collection method: clinical testing. Allele origin: germline.
Comment: This variant has not been reported in the literature in individuals affected with LRP4-related conditions. This variant is not present in population databases (gnomAD no frequency). Algorithms developed to predict the effect of missense changes on protein structure and function are either unavailable or do not agree on the potential impact of this missense change (SIFT: "Deleterious"; PolyPhen-2: "Probably Damaging"; Align-GVGD: "Class C0"). In summary, the available evidence is currently insufficient to determine the role of this variant in disease. Therefore, it has been classified as a Variant of Uncertain Significance. This sequence change replaces glutamic acid, which is acidic and polar, with lysine, which is basic and polar, at codon 222 of the LRP4 protein (p.Glu222Lys).

NM_002334.4(LRP4):c.664G>A (p.Glu222Lys)

Gene: LRP4 (LDL receptor related protein 4; minus strand). Cytogenetic location: 11p11.2.
Variant type: single nucleotide variant.
Coding change: c.664G>A on transcript NM_002334.4 (MANE Select); coding-DNA position 664, G replaced by A.
Protein change: p.Glu222Lys; replaces glutamic acid 222 with lysine.
Molecular consequence: missense variant.
Genome position (GRCh38, 1-based): chr11:46,898,916, C>T on the plus strand (G>A on the coding strand, the complement: LRP4 is on the minus strand). VCF-style: chr11-46898916-C-T. GRCh37 (hg19) VCF-style: chr11-46920467-C-T.
Other names: short protein forms E222K.
Identifiers: ClinVar variation 2075596 (VCV002075596.4), dbSNP rs2539776435, ClinGen allele CA380289156.